The following is an entry in ClinVar:

NM_005045.4(RELN):c.8967G>T (p.Leu2989Phe)

Genes: SLC26A5-AS1 (SLC26A5 antisense RNA 1; plus strand), RELN (reelin; minus strand). Cytogenetic location: 7q22.1.
Variant type: single nucleotide variant.
Coding change: c.8967G>T on transcript NM_005045.4 (MANE Select); coding-DNA position 8967, G replaced by T.
Protein change: p.Leu2989Phe; replaces leucine 2989 with phenylalanine.
Molecular consequence: missense variant.
Genome position (GRCh38, 1-based): chr7:103,496,752, C>A on the plus strand (G>T on the coding strand, the complement: RELN is on the minus strand). VCF-style: chr7-103496752-C-A. GRCh37 (hg19) VCF-style: chr7-103137199-C-A.
Other names: c.8967G>T, p.Leu2989Phe (NM_173054.3); short protein forms L2989F.
Identifiers: ClinVar variation 1042269 (VCV001042269.8), dbSNP rs1828853834, ClinGen allele CA368751943.

ClinVar aggregate classification (germline): Uncertain significance (1 of 4 stars; one submission).

Conditions:
Norman-Roberts syndrome (LIS2). Also called: Lissencephaly 2 (Norman-Roberts type). Identifiers: Orphanet 89844, MedGen C0796089, MONDO:0009760, OMIM 257320.
Familial temporal lobe epilepsy 7. Identifiers: Orphanet 101046, MedGen C4225327, MONDO:0014639, OMIM 616436.

Submission:

Labcorp Genetics (formerly Invitae), Labcorp
Classification: Uncertain significance for Familial temporal lobe epilepsy 7; Norman-Roberts syndrome. Last evaluated: 2020-10-08. Review status: criteria provided, single submitter. Criteria: Invitae Variant Classification Sherloc (09022015). Collection method: clinical testing. Allele origin: germline.
Comment: This variant has not been reported in the literature in individuals with RELN-related conditions. In summary, the available evidence is currently insufficient to determine the role of this variant in disease. Therefore, it has been classified as a Variant of Uncertain Significance. Algorithms developed to predict the effect of missense changes on protein structure and function are either unavailable or do not agree on the potential impact of this missense change (SIFT: "Deleterious"; PolyPhen-2: "Possibly Damaging"; Align-GVGD: "Class C0"). This variant is not present in population databases (ExAC no frequency). This sequence change replaces leucine with phenylalanine at codon 2989 of the RELN protein (p.Leu2989Phe). The leucine residue is highly conserved and there is a small physicochemical difference between leucine and phenylalanine.